The following is an entry in ClinVar:

NM_007078.3(LDB3):c.94-124G>A

Gene: LDB3 (LIM domain binding 3; plus strand). Cytogenetic location: 10q23.2.
Variant type: single nucleotide variant.
Coding change: c.94-124G>A on transcript NM_007078.3 (MANE Select); 124 bases into the intron before coding-DNA position 94, G replaced by A.
Molecular consequence: intron variant.
Genome position (GRCh38, 1-based): chr10:86,679,243, G>A. VCF-style: chr10-86679243-G-A. GRCh37 (hg19) VCF-style: chr10-88439000-G-A.
Other names: c.94-124G>A (NM_001368064.1, NM_001368063.1, NM_001368068.1 and 8 more transcripts).
Identifiers: ClinVar variation 675369 (VCV000675369.2), dbSNP rs12254069, ClinGen allele CA13311113.
Genomic context (GRCh38, chr10:86,679,243, plus strand): 5'-CAATGTGGTAGTCATGTGCCGGAAAGAGGAACTAGGCTTGGTTAGCAGCTGGTACTGGCC[G>A]TAGCGAATGAAAAACACAATGACGGCTTCTGTTGAATACTCCCGGGTGACTCTTCCCCAA-3'

ClinVar aggregate classification (germline): Benign. Review status: criteria provided, multiple submitters, no conflicts (2 of 4 stars). 2 submissions from 2 submitters: Benign (2). Last evaluated 2018-06-18.

Allele frequency attached by ClinVar (database versions not stated): gnomAD 0.04215 and 0.04518; TOPMed 0.04792; 1000 Genomes Project 0.05292; 1000 Genomes Project 30x 0.05559.
gnomAD v4.1: 11,528 of 1,185,616 alleles (0.97%); highest among the groups gnomAD compares: African/African-American, 14%; 680 homozygotes.

Submissions (2):

GeneDx
Classification: Benign. Last evaluated: 2018-06-18. Review status: criteria provided, single submitter. Criteria: GeneDx Variant Classification (06012015). Collection method: clinical testing. Allele origin: germline. Affected: yes.
Comment: This variant is considered likely benign or benign based on one or more of the following criteria: it is a conservative change, it occurs at a poorly conserved position in the protein, it is predicted to be benign by multiple in silico algorithms, and/or has population frequency not consistent with disease.

Breakthrough Genomics
Classification: Benign. Review status: criteria provided, single submitter. Criteria: ACMG Guidelines, 2015. Collection method: not provided. Allele origin: germline. Inheritance: Autosomal dominant inheritance. Affected: yes.